The following is an entry in ClinVar:

ClinVar aggregate classification (germline): Uncertain significance (1 of 4 stars; one submission).

Conditions:
Ehlers-Danlos syndrome, dermatosparaxis type. Also called: EDS VIIC; Dermatosparaxis; Ehlers-Danlos syndrome, type VII, autosomal recessive. Identifiers: Orphanet 1901, MedGen C2700425, MONDO:0009161, OMIM 225410.

Allele frequency attached by ClinVar (database versions not stated): TOPMed below 0.00001.
gnomAD v4.1: 7 of 1,556,624 alleles (0.00045%); highest among the groups gnomAD compares: African/African-American, 0.0027%; no homozygotes.

Submission:

Labcorp Genetics (formerly Invitae), Labcorp
Classification: Uncertain significance for Ehlers-Danlos syndrome, dermatosparaxis type. Last evaluated: 2024-01-02. Review status: criteria provided, single submitter. Criteria: Invitae Variant Classification Sherloc (09022015). Collection method: clinical testing. Allele origin: germline.
Comment: This sequence change replaces arginine, which is basic and polar, with histidine, which is basic and polar, at codon 612 of the ADAMTS2 protein (p.Arg612His). This variant is not present in population databases (gnomAD no frequency). This variant has not been reported in the literature in individuals affected with ADAMTS2-related conditions. ClinVar contains an entry for this variant (Variation ID: 1519282). An algorithm developed to predict the effect of missense changes on protein structure and function (PolyPhen-2) suggests that this variant is likely to be disruptive. In summary, the available evidence is currently insufficient to determine the role of this variant in disease. Therefore, it has been classified as a Variant of Uncertain Significance.

NM_014244.5(ADAMTS2):c.1835G>A (p.Arg612His)

Gene: ADAMTS2 (ADAM metallopeptidase with thrombospondin type 1 motif 2; minus strand). Cytogenetic location: 5q35.3.
Variant type: single nucleotide variant.
Coding change: c.1835G>A on transcript NM_014244.5 (MANE Select); coding-DNA position 1835, G replaced by A.
Protein change: p.Arg612His; replaces arginine 612 with histidine.
Molecular consequence: missense variant.
Genome position (GRCh38, 1-based): chr5:179,137,885, C>T on the plus strand (G>A on the coding strand, the complement: ADAMTS2 is on the minus strand). VCF-style: chr5-179137885-C-T. GRCh37 (hg19) VCF-style: chr5-178564886-C-T.
Other names: short protein forms R612H.
Identifiers: ClinVar variation 1519282 (VCV001519282.8), dbSNP rs1763093799, ClinGen allele CA362426820.